The following is an entry in ClinVar:

ClinVar aggregate classification (germline): Uncertain significance (1 of 4 stars; one submission).

Conditions:
Lethal multiple pterygium syndrome (LMPS). Identifiers: Orphanet 33108, MedGen C1854678, MONDO:0009668, OMIM 253290.

Submission:

Labcorp Genetics (formerly Invitae), Labcorp
Classification: Uncertain significance for Lethal multiple pterygium syndrome. Last evaluated: 2024-03-26. Review status: criteria provided, single submitter. Criteria: Invitae Variant Classification Sherloc (09022015). Collection method: clinical testing. Allele origin: germline.
Comment: This sequence change replaces serine, which is neutral and polar, with phenylalanine, which is neutral and non-polar, at codon 308 of the CHRNA1 protein (p.Ser308Phe). This variant is not present in population databases (gnomAD no frequency). This variant has not been reported in the literature in individuals affected with CHRNA1-related conditions. ClinVar contains an entry for this variant (Variation ID: 466186). Advanced modeling of protein sequence and biophysical properties (such as structural, functional, and spatial information, amino acid conservation, physicochemical variation, residue mobility, and thermodynamic stability) performed at Invitae indicates that this missense variant is not expected to disrupt CHRNA1 protein function with a negative predictive value of 80%. In summary, the available evidence is currently insufficient to determine the role of this variant in disease. Therefore, it has been classified as a Variant of Uncertain Significance.

NM_000079.4(CHRNA1):c.923C>T (p.Ser308Phe)

Gene: CHRNA1 (cholinergic receptor nicotinic alpha 1 subunit; minus strand). Cytogenetic location: 2q31.1.
Variant type: single nucleotide variant.
Coding change: c.923C>T on transcript NM_000079.4 (MANE Select); coding-DNA position 923, C replaced by T.
Protein change: p.Ser308Phe; replaces serine 308 with phenylalanine.
Molecular consequence: missense variant.
Genome position (GRCh38, 1-based): chr2:174,750,025, G>A on the plus strand (C>T on the coding strand, the complement: CHRNA1 is on the minus strand). VCF-style: chr2-174750025-G-A. GRCh37 (hg19) VCF-style: chr2-175614753-G-A.
Other names: c.998C>T, p.Ser333Phe (NM_001039523.3); short protein forms S308F, S333F.
Identifiers: ClinVar variation 466186 (VCV000466186.8), dbSNP rs1553469062, ClinGen allele CA349336314.